The following is an entry in ClinVar:

NM_000282.4(PCCA):c.937C>G (p.Arg313Gly)

Gene: PCCA (propionyl-CoA carboxylase subunit alpha; plus strand). Cytogenetic location: 13q32.3.
Variant type: single nucleotide variant.
Coding change: c.937C>G on transcript NM_000282.4 (MANE Select); coding-DNA position 937, C replaced by G.
Protein change: p.Arg313Gly; replaces arginine 313 with glycine.
Molecular consequence: missense variant. On other transcripts: 5 prime UTR variant (3), non-coding transcript variant (5).
Genome position (GRCh38, 1-based): chr13:100,273,218, C>G. VCF-style: chr13-100273218-C-G. GRCh37 (hg19) VCF-style: chr13-100925472-C-G.
Other names: c.859C>G, p.Arg287Gly (NM_001127692.3, NM_001352607.2, NM_001352608.2); c.937C>G, p.Arg313Gly (NM_001178004.2, NM_001352605.2, NM_001352606.2 and 1 more transcripts); c.-9C>G (NM_001352610.2, NM_001352611.2, NM_001352612.2); short protein forms R313G, R287G.
Identifiers: ClinVar variation 1507352 (VCV001507352.7), dbSNP rs138149179, ClinGen allele CA388694719.

ClinVar aggregate classification (germline): Uncertain significance (1 of 4 stars; one submission).

Conditions:
Propionic acidemia (PROP). Also called: GLYCINEMIA, KETOTIC; HYPERGLYCINEMIA WITH KETOACIDOSIS AND LEUKOPENIA; KETOTIC HYPERGLYCINEMIA. Identifiers: Orphanet 35, MedGen C0268579, MONDO:0011628, OMIM 606054, HP:0003571.

gnomAD v4.1: 1 of 1,613,104 alleles (0.000062%); highest among the groups gnomAD compares: African/African-American, 0.0013%; no homozygotes.

Submission:

Labcorp Genetics (formerly Invitae), Labcorp
Classification: Uncertain significance for Propionic acidemia. Last evaluated: 2021-04-04. Review status: criteria provided, single submitter. Criteria: Invitae Variant Classification Sherloc (09022015). Collection method: clinical testing. Allele origin: germline.
Comment: In summary, the available evidence is currently insufficient to determine the role of this variant in disease. Therefore, it has been classified as a Variant of Uncertain Significance. Advanced modeling of protein sequence and biophysical properties (such as structural, functional, and spatial information, amino acid conservation, physicochemical variation, residue mobility, and thermodynamic stability) performed at Invitae indicates that this missense variant is expected to disrupt PCCA protein function. This variant has not been reported in the literature in individuals with PCCA-related conditions. This variant is not present in population databases (ExAC no frequency). This sequence change replaces arginine with glycine at codon 313 of the PCCA protein (p.Arg313Gly). The arginine residue is highly conserved and there is a moderate physicochemical difference between arginine and glycine.